The following is an entry in ClinVar:

NM_001848.3(COL6A1):c.359T>C (p.Val120Ala)

Gene: COL6A1 (collagen type VI alpha 1 chain; plus strand). Cytogenetic location: 21q22.3.
Variant type: single nucleotide variant.
Coding change: c.359T>C on transcript NM_001848.3 (MANE Select); coding-DNA position 359, T replaced by C.
Protein change: p.Val120Ala; replaces valine 120 with alanine.
Molecular consequence: missense variant.
Genome position (GRCh38, 1-based): chr21:45,984,400, T>C. VCF-style: chr21-45984400-T-C. GRCh37 (hg19) VCF-style: chr21-47404314-T-C.
Other names: short protein forms V120A.
Identifiers: ClinVar variation 4686378 (VCV004686378.1).

ClinVar aggregate classification (germline): Uncertain significance (1 of 4 stars; one submission).

Submission:

GeneDx
Classification: Uncertain significance. Last evaluated: 2025-07-17. Review status: criteria provided, single submitter. Criteria: GeneDx Variant Classification Process June 2021. Collection method: clinical testing. Allele origin: germline. Affected: yes.
Comment: Not observed at significant frequency in large population cohorts (gnomAD); In silico analysis supports that this missense variant has a deleterious effect on protein structure/function; Has not been previously published as pathogenic or benign to our knowledge